The following is an entry in ClinVar:

ClinVar aggregate classification (germline): Likely benign (1 of 4 stars; one submission).

gnomAD v4.1: 16 of 1,441,530 alleles (0.0011%); highest among the groups gnomAD compares: Non-Finnish European, 0.0014%; no homozygotes.

Submission:

CeGaT Center for Human Genetics Tuebingen
Classification: Likely benign. Last evaluated: 2023-01-01. Review status: criteria provided, single submitter. Criteria: CeGaT Center For Human Genetics Tuebingen Variant Classification Criteria Version 2. Collection method: clinical testing. Allele origin: germline. Affected: yes. Observed: 1 variant allele.
Comment: CASZ1: BP4, BP7

NM_001079843.3(CASZ1):c.4905G>T (p.Ala1635=)

Gene: CASZ1 (castor zinc finger 1; minus strand). Cytogenetic location: 1p36.22.
Variant type: single nucleotide variant.
Coding change: c.4905G>T on transcript NM_001079843.3 (MANE Select); coding-DNA position 4905, G replaced by T.
Protein change: p.Ala1635=; no amino-acid change (alanine 1635 retained).
Molecular consequence: synonymous variant.
Genome position (GRCh38, 1-based): chr1:10,639,317, C>A on the plus strand (G>T on the coding strand, the complement: CASZ1 is on the minus strand). VCF-style: chr1-10639317-C-A. GRCh37 (hg19) VCF-style: chr1-10699374-C-A.
Identifiers: ClinVar variation 2638205 (VCV002638205.24), dbSNP rs1160568102, ClinGen allele CA416035909.